The following is an entry in ClinVar:

NM_033100.4(CDHR1):c.2102C>T (p.Ala701Val)

Gene: CDHR1 (cadherin related family member 1; plus strand). Cytogenetic location: 10q23.1.
Variant type: single nucleotide variant.
Coding change: c.2102C>T on transcript NM_033100.4 (MANE Select); coding-DNA position 2102, C replaced by T.
Protein change: p.Ala701Val; replaces alanine 701 with valine.
Molecular consequence: missense variant. On other transcripts: intron variant (1).
Genome position (GRCh38, 1-based): chr10:84,214,143, C>T. VCF-style: chr10-84214143-C-T. GRCh37 (hg19) VCF-style: chr10-85973899-C-T.
Other names: c.2040+795C>T (NM_001171971.3); short protein forms A701V.
Identifiers: ClinVar variation 1397559 (VCV001397559.6), dbSNP rs1589309251, ClinGen allele CA377379216.
Genomic context (GRCh38, chr10:84,214,143, plus strand): 5'-CCCTCTCCCGGAGCCCCATGGCTGCCTTCCTGATACAGACCAAGGACAACCCCATGAAGG[C>T]CGTGGGTGTGCTGGCCGGCACCATGGCCACCGTCGTGGCCATCACTGTCCTCATCTCCAC-3'
Protein context (NP_149091.1, residues 691-711): LIQTKDNPMK[Ala701Val]VGVLAGTMAT

ClinVar aggregate classification (germline): Uncertain significance (1 of 4 stars; one submission).

Allele frequency attached by ClinVar (database versions not stated): TOPMed below 0.00001.

Submission:

Labcorp Genetics (formerly Invitae), Labcorp
Classification: Uncertain significance. Last evaluated: 2022-09-27. Review status: criteria provided, single submitter. Criteria: Invitae Variant Classification Sherloc (09022015). Collection method: clinical testing. Allele origin: germline.
Comment: In summary, the available evidence is currently insufficient to determine the role of this variant in disease. Therefore, it has been classified as a Variant of Uncertain Significance. Advanced modeling of protein sequence and biophysical properties (such as structural, functional, and spatial information, amino acid conservation, physicochemical variation, residue mobility, and thermodynamic stability) performed at Invitae indicates that this missense variant is not expected to disrupt CDHR1 protein function. ClinVar contains an entry for this variant (Variation ID: 1397559). This variant has not been reported in the literature in individuals affected with CDHR1-related conditions. This variant is not present in population databases (gnomAD no frequency). This sequence change replaces alanine, which is neutral and non-polar, with valine, which is neutral and non-polar, at codon 701 of the CDHR1 protein (p.Ala701Val).